The following is an entry in ClinVar:

ClinVar aggregate classification (germline): Benign. Review status: criteria provided, single submitter (1 of 4 stars). 2 submissions from 2 submitters: Benign (1). 1 of the submissions does not count toward it. Last evaluated 2018-01-13.

Conditions:
GATA3-related disorder. Also called: GATA3-related condition.
Hypoparathyroidism, deafness, renal disease syndrome (HDRS). Also called: HYPOPARATHYROIDISM, SENSORINEURAL DEAFNESS, AND RENAL DYSPLASIA SYNDROME. Identifiers: Orphanet 2237, MedGen C1840333, MONDO:0007797, OMIM 146255.

Allele frequency attached by ClinVar (database versions not stated): ESP Exome Variant Server 0.00008; gnomAD 0.00009; TOPMed 0.00009; ExAC 0.00011; 1000 Genomes Project 0.00040; 1000 Genomes Project 30x 0.00047.
gnomAD v4.1: 32 of 1,553,936 alleles (0.0021%); highest among the groups gnomAD compares: African/African-American, 0.034%; 1 homozygote.

Submissions (2):

Illumina Laboratory Services, Illumina
Classification: Benign for Hypoparathyroidism, deafness, renal disease syndrome. Last evaluated: 2018-01-13. Review status: criteria provided, single submitter. Criteria: ICSL Variant Classification Criteria 13 December 2019. Collection method: clinical testing. Allele origin: germline.
Comment: This variant was observed in the ICSL laboratory as part of a predisposition screen in an ostensibly healthy population. It had not been previously curated by ICSL or reported in the Human Gene Mutation Database (HGMD: prior to June 1st, 2018), and was therefore a candidate for classification through an automated scoring system. Utilizing variant allele frequency, disease prevalence and penetrance estimates, and inheritance mode, an automated score was calculated to assess if this variant is too frequent to cause the disease. Based on the score and internal cut-off values, a variant classified as benign is not then subjected to further curation. The score for this variant resulted in a classification of benign for this disease.

PreventionGenetics, part of Exact Sciences
Classification: Likely benign for GATA3-related condition. Last evaluated: 2023-04-03. Review status: no assertion criteria provided. Collection method: clinical testing. Allele origin: germline. Not counted in ClinVar's aggregate classification.
Comment: This variant is classified as likely benign based on ACMG/AMP sequence variant interpretation guidelines (Richards et al. 2015 PMID: 25741868, with internal and published modifications).

NM_001002295.2(GATA3):c.241+8C>T

Genes: GATA3 (GATA binding protein 3; plus strand), LOC130003278 (ATAC-STARR-seq lymphoblastoid silent region 2118; plus strand). Cytogenetic location: 10p14.
Variant type: single nucleotide variant.
Coding change: c.241+8C>T on transcript NM_001002295.2 (MANE Select); 8 bases into the intron after coding-DNA position 241, C replaced by T.
Molecular consequence: intron variant.
Genome position (GRCh38, 1-based): chr10:8,055,904, C>T. VCF-style: chr10-8055904-C-T. GRCh37 (hg19) VCF-style: chr10-8097867-C-T.
Other names: c.241+8C>T (NM_002051.3).
Identifiers: ClinVar variation 877499 (VCV000877499.6), dbSNP rs376505863, ClinGen allele CA5404301.